The following is an entry in ClinVar:

ClinVar aggregate classification (germline): Uncertain significance. Review status: criteria provided, multiple submitters, no conflicts (2 of 4 stars). 2 submissions from 2 submitters: Uncertain significance (2). Last evaluated 2025-05-20.

Conditions:
Inborn genetic diseases. Identifiers: MedGen C0950123, MeSH D030342.

Allele frequency attached by ClinVar (database versions not stated): gnomAD exomes below 0.00001; gnomAD 0.00001; TOPMed 0.00002.
gnomAD v4.1: 4 of 1,541,182 alleles (0.00026%); highest among the groups gnomAD compares: African/African-American, 0.0056%; no homozygotes.

Submissions (2):

Ambry Genetics
Classification: Uncertain significance for Inborn genetic diseases. Last evaluated: 2025-05-20. Review status: criteria provided, single submitter. Criteria: Ambry Variant Classification Scheme 2023. Collection method: clinical testing. Allele origin: germline.

Labcorp Genetics (formerly Invitae), Labcorp
Classification: Uncertain significance. Last evaluated: 2022-07-12. Review status: criteria provided, single submitter. Criteria: Invitae Variant Classification Sherloc (09022015). Collection method: clinical testing. Allele origin: germline.
Comment: This sequence change replaces glycine, which is neutral and non-polar, with alanine, which is neutral and non-polar, at codon 9 of the AGPS protein (p.Gly9Ala). This variant is present in population databases (rs370124842, gnomAD 0.007%). This variant has not been reported in the literature in individuals affected with AGPS-related conditions. Algorithms developed to predict the effect of missense changes on protein structure and function are either unavailable or do not agree on the potential impact of this missense change (SIFT: "Tolerated"; PolyPhen-2: "Not Available"; Align-GVGD: "Class C0"). In summary, the available evidence is currently insufficient to determine the role of this variant in disease. Therefore, it has been classified as a Variant of Uncertain Significance.

NM_003659.4(AGPS):c.26G>C (p.Gly9Ala)

Genes: AGPS (alkylglycerone phosphate synthase; plus strand), LOC129935172 (ATAC-STARR-seq lymphoblastoid silent region 12147; plus strand). Cytogenetic location: 2q31.2.
Variant type: single nucleotide variant.
Coding change: c.26G>C on transcript NM_003659.4 (MANE Select); coding-DNA position 26, G replaced by C.
Protein change: p.Gly9Ala; replaces glycine 9 with alanine.
Molecular consequence: missense variant.
Genome position (GRCh38, 1-based): chr2:177,392,815, G>C. VCF-style: chr2-177392815-G-C. GRCh37 (hg19) VCF-style: chr2-178257543-G-C.
Other names: c.26G>C (NM_003659.3); short protein forms G9A.
Identifiers: ClinVar variation 2067706 (VCV002067706.2), dbSNP rs370124842, ClinGen allele CA61411758.